The following is an entry in ClinVar:

NM_001267550.2(TTN):c.18325A>G (p.Lys6109Glu)

Genes: TTN (titin; minus strand), LOC126806430 (BRD4-independent group 4 enhancer GRCh37_chr2:179593794-179594993; plus strand). Cytogenetic location: 2q31.2.
Variant type: single nucleotide variant.
Coding change: c.18325A>G on transcript NM_001267550.2 (MANE Select); coding-DNA position 18325, A replaced by G.
Protein change: p.Lys6109Glu; replaces lysine 6109 with glutamic acid.
Molecular consequence: missense variant. On other transcripts: intron variant (3).
Genome position (GRCh38, 1-based): chr2:178,729,928, T>C on the plus strand (A>G on the coding strand, the complement: TTN is on the minus strand). VCF-style: chr2-178729928-T-C. GRCh37 (hg19) VCF-style: chr2-179594655-T-C.
Other names: p.K5792E:AAG>GAG; p.Lys5792Glu; c.17374A>G, p.Lys5792Glu (NM_001256850.1); c.14593A>G, p.Lys4865Glu (NM_133378.4); c.13282+8154A>G (NM_003319.4); c.13858+8154A>G (NM_133437.4); c.13657+8154A>G (NM_133432.3); short protein forms K4865E, K6109E, K5792E.
Identifiers: ClinVar variation 178250 (VCV000178250.48), dbSNP rs73973139, ClinGen allele CA181915.
Genomic context (GRCh38, chr2:178,729,928, plus strand): 5'-TTTGGCATTCAAATGTTGTTGACTGTCCATTCCTCAGCACTAAGACTGGACTGGGCTTCT[T>C]AATGAATTGAGGAGGTTCTAAAGATGGAAAAAGAATTGTGATGTTGAATATTTTTAAAAA-3'
Protein context (NP_001254479.2, residues 6099-6119): LFVKEPPQFI[Lys6109Glu]KPSPVLVLRN

ClinVar aggregate classification (germline): Conflicting classifications of pathogenicity. Review status: criteria provided, conflicting classifications (1 of 4 stars). 20 submissions from 16 submitters: Uncertain significance (3); Benign (5); Likely benign (11). 1 of the submissions does not count toward it. Last evaluated 2026-02-02.

Conditions:
TTN-related disorder. Also called: TTN-related disorders; TTN-related condition; TTN-related disease.
Dilated cardiomyopathy 1G (CMD1G). Identifiers: Orphanet 154, MedGen C1858763, MONDO:0011400, OMIM 604145.
Autosomal recessive limb-girdle muscular dystrophy type 2J (LGMDR10). Also called: Limb-girdle muscular dystrophy, type 2J; MUSCULAR DYSTROPHY, LIMB-GIRDLE, AUTOSOMAL RECESSIVE 10. Identifiers: Orphanet 140922, MedGen C1837342, MONDO:0012127, OMIM 608807.
Cardiomyopathy (CMYO). Also called: Cardiomyopathies. Identifiers: Orphanet 167848, MedGen C0878544, MONDO:0004994, HP:0001638. Inheritance: Various modes of inheritance.
Early-onset myopathy with fatal cardiomyopathy (CMYO5). Also called: CONGENITAL MYOPATHY 5 WITH CARDIOMYOPATHY; Salih Myopathy. Identifiers: Orphanet 289377, MedGen C2673677, MONDO:0012714, OMIM 611705. Disease mechanism: loss of function.
Tibial muscular dystrophy (TMD). Also called: UDD MYOPATHY; Tibial muscular dystrophy, tardive; Udd Distal Myopathy – Tibial Muscular Dystrophy. Identifiers: Orphanet 609, MedGen C1838244, MONDO:0010870, OMIM 600334.
Myopathy, myofibrillar, 9, with early respiratory failure (MFM9). Also called: Hereditary myopathy with early respiratory failure; MYOPATHY, PROXIMAL, WITH EARLY RESPIRATORY MUSCLE INVOLVEMENT; EDSTROM MYOPATHY; Myopathy, distal, with early respiratory failure, autosomal dominant. Identifiers: Orphanet 178464, Orphanet 34521, MedGen C1863599, MONDO:0011362, OMIM 603689.

Allele frequency attached by ClinVar (database versions not stated): gnomAD exomes 0.00013 and 0.00026; ExAC 0.00037; ESP Exome Variant Server 0.00084; gnomAD 0.00085 and 0.00096; 1000 Genomes Project 0.00100; 1000 Genomes Project 30x 0.00109; TOPMed 0.00113.
gnomAD v4.1: 323 of 1,612,462 alleles (0.02%); highest among the groups gnomAD compares: African/African-American, 0.38%; no homozygotes.

Submissions (20):

Labcorp Genetics (formerly Invitae), Labcorp
Classification: Likely benign for Dilated cardiomyopathy 1G; Autosomal recessive limb-girdle muscular dystrophy type 2J. Last evaluated: 2026-02-02. Review status: criteria provided, single submitter. Criteria: Invitae Variant Classification Sherloc (09022015). Collection method: clinical testing. Allele origin: germline.

CeGaT Center for Human Genetics Tuebingen
Classification: Likely benign. Last evaluated: 2025-08-01. Review status: criteria provided, single submitter. Criteria: CeGaT Center For Human Genetics Tuebingen Variant Classification Criteria Version 2. Collection method: clinical testing. Allele origin: germline. Affected: yes. Observed: 1 variant allele.
Comment: TTN: BP4

Molecular Diagnostic Laboratory for Inherited Cardiovascular Disease, Montreal Heart Institute
Classification: Likely benign. Last evaluated: 2025-04-09. Review status: criteria provided, single submitter. Criteria: ACMG Guidelines, 2015. Collection method: clinical testing. Allele origin: germline. Affected: no.

Mayo Clinic Laboratories, Mayo Clinic
Classification: Likely benign. Last evaluated: 2024-10-22. Review status: criteria provided, single submitter. Criteria: ACMG Guidelines, 2015. Collection method: clinical testing. Allele origin: germline. Observed: 1 variant allele.
Comment: BS1, BP1, BP4

Blueprint Genetics
Classification: Likely benign. Last evaluated: 2024-08-09. Review status: criteria provided, single submitter. Criteria: ACMG Guidelines, 2015. Collection method: clinical testing. Allele origin: germline.

Athena Diagnostics
Classification: Benign. Last evaluated: 2024-07-05. Review status: criteria provided, single submitter. Criteria: Athena Diagnostics Criteria. Collection method: clinical testing. Allele origin: unknown.

Women's Health and Genetics/Laboratory Corporation of America, LabCorp
Classification: Likely benign. Last evaluated: 2023-01-16. Review status: criteria provided, single submitter. Criteria: LabCorp Variant Classification Summary - May 2015. Collection method: clinical testing. Allele origin: germline.
Comment: Variant summary: TTN c.14593A>G (p.Lys4865Glu) results in a conservative amino acid change located in the I-band of the encoded protein sequence. Three of four in-silico tools in-silico tools predict a benign effect of the variant on protein function. The variant allele was found at a frequency of 0.00026 in 246000 control chromosomes, predominantly at a frequency of 0.0039 within the African or African-American subpopulation in the gnomAD database. The observed variant frequency within African or African-American control individuals in the gnomAD database is approximately ten fold of the estimated maximal expected allele frequency for a pathogenic variant in TTN causing Dilated Cardiomyopathy phenotype (0.00039), strongly suggesting that the variant is a benign polymorphism found primarily in populations of African or African-American origin. To our knowledge, no occurrence of c.14593A>G in individuals affected with Dilated Cardiomyopathy and no experimental evidence demonstrating its impact on protein function have been reported. Ten clinical diagnostic laboratories have submitted clinical-significance assessments for this variant to ClinVar after 2014 without evidence for independent evaluation and classified as VUS (n=1), Likely Benign (n=5) and Benign (n=4) . Based on the evidence outlined above, the variant was classified as likely benign.

GeneDx
Classification: Likely benign. Last evaluated: 2021-03-01. Review status: criteria provided, single submitter. Criteria: GeneDx Variant Classification Process June 2021. Collection method: clinical testing. Allele origin: germline. Affected: yes.

Center for Advanced Laboratory Medicine, UC San Diego Health, University of California San Diego
Classification: Likely benign for Cardiomyopathy. Last evaluated: 2018-11-28. Review status: criteria provided, single submitter. Criteria: ACMG Guidelines, 2015. Collection method: clinical testing. Allele origin: germline. Affected: yes. Observed: 1 variant allele.

CHEO Genetics Diagnostic Laboratory, Children's Hospital of Eastern Ontario
Classification: Benign for Cardiomyopathy. Last evaluated: 2018-03-01. Review status: criteria provided, single submitter. Criteria: ACMG Guidelines, 2015. Collection method: clinical testing. Allele origin: germline.

Laboratory for Molecular Medicine, Mass General Brigham Personalized Medicine
Classification: Benign. Last evaluated: 2017-12-08. Review status: criteria provided, single submitter. Criteria: LMM Criteria. Collection method: clinical testing. Allele origin: germline. Observed: 2 variant alleles.
Comment: p.Lys4865Glu in exon 60 of TTN: This variant is not expected to have clinical si gnificance because it has been identified in 0.3% (82/23842) of African chromos omes by the Genome Aggregation Database (gnomAD, g; dbSNP rs73973139) BA1

Illumina Laboratory Services, Illumina
Classification: Uncertain significance for Dilated cardiomyopathy 1G. Last evaluated: 2017-04-27. Review status: criteria provided, single submitter. Criteria: ICSL Variant Classification Criteria 13 December 2019. Collection method: clinical testing. Allele origin: germline.
Comment: This variant was observed as part of a predisposition screen in an ostensibly healthy population. A literature search was performed for the gene, cDNA change, and amino acid change (where applicable). Publications were found based on this search. However, the evidence from the literature, in combination with allele frequency data from public databases where available, was not sufficient to rule this variant in or out of causing disease. Therefore, this variant is classified as a variant of unknown significance.

Illumina Laboratory Services, Illumina
Classification: Benign for Myopathy, myofibrillar, 9, with early respiratory failure. Last evaluated: 2017-04-27. Review status: criteria provided, single submitter. Criteria: ICSL Variant Classification Criteria 13 December 2019. Collection method: clinical testing. Allele origin: germline.
Comment: This variant was observed as part of a predisposition screen in an ostensibly healthy population. A literature search was performed for the gene, cDNA change, and amino acid change (where applicable). No publications were found based on this search. Allele frequency data from public databases was too high to be consistent with this variant causing disease. Therefore, this variant is classified as benign.

Illumina Laboratory Services, Illumina
Classification: Uncertain significance for Early-onset myopathy with fatal cardiomyopathy. Last evaluated: 2017-04-27. Review status: criteria provided, single submitter. Criteria: ICSL Variant Classification Criteria 13 December 2019. Collection method: clinical testing. Allele origin: germline.

Illumina Laboratory Services, Illumina
Classification: Uncertain significance for Autosomal recessive limb-girdle muscular dystrophy type 2J. Last evaluated: 2017-04-27. Review status: criteria provided, single submitter. Criteria: ICSL Variant Classification Criteria 13 December 2019. Collection method: clinical testing. Allele origin: germline.

Illumina Laboratory Services, Illumina
Classification: Benign for Tibial muscular dystrophy. Last evaluated: 2017-04-27. Review status: criteria provided, single submitter. Criteria: ICSL Variant Classification Criteria 13 December 2019. Collection method: clinical testing. Allele origin: germline.
Comment: the same text as in the submission from Illumina Laboratory Services, Illumina above.

Center for Pediatric Genomic Medicine, Children's Mercy Hospital and Clinics
Classification: Likely benign. Last evaluated: 2016-01-11. Review status: criteria provided, single submitter. Criteria: ACMG Guidelines, 2015. Collection method: clinical testing. Allele origin: germline.
ClinVar note: Converted during submission from Likely Benign to Likely benign.

Eurofins Ntd Llc (ga)
Classification: Likely benign. Last evaluated: 2015-07-22. Review status: criteria provided, single submitter. Criteria: EGL Classification Definitions 2015. Collection method: clinical testing. Allele origin: germline. Observed: 1 variant allele, 1 heterozygote.

Biesecker Lab/Clinical Genomics Section, National Institutes of Health
Classification: Likely benign. Last evaluated: 2013-06-24. Review status: criteria provided, single submitter. Criteria: Ng et al. (Circ Cardiovasc Genet. 2013). Collection method: research. Allele origin: unknown. Observed: 1 variant allele. Study: ClinSeq.
Comment: The study set was not selected for affection status in relation to any cancer. Pathogenicity categories were based on literature curation. See Pubmed ID:23861362 for details.

Medical sequencing

PreventionGenetics, part of Exact Sciences
Classification: Likely benign for TTN-related condition. Last evaluated: 2022-04-14. Review status: no assertion criteria provided. Collection method: clinical testing. Allele origin: germline. Not counted in ClinVar's aggregate classification.
Comment: This variant is classified as likely benign based on ACMG/AMP sequence variant interpretation guidelines (Richards et al. 2015 PMID: 25741868, with internal and published modifications).

Literature cited by the submitters: PubMed 23861362 (cited by Athena Diagnostics and Illumina Laboratory Services, Illumina).